The following is an entry in ClinVar:

ClinVar aggregate classification (germline): Uncertain significance (1 of 4 stars; one submission).

Conditions:
HK1-related disorder. Also called: HK1-related disorders; HK1-related condition.

Submission:

PreventionGenetics, part of Exact Sciences
Classification: Uncertain significance for HK1-related condition. Last evaluated: 2025-01-07. Review status: criteria provided, single submitter. Criteria: ACMG Guidelines, 2015. Collection method: clinical testing. Allele origin: germline.
Comment: The HK1 c.429C>G variant is predicted to result in the amino acid substitution p.Ile143Met. To our knowledge, this variant has not been reported in the literature or in a large population database (gnomAD), indicating this variant is rare. At this time, the clinical significance of this variant is uncertain due to the absence of conclusive functional and genetic evidence.

NM_000188.3(HK1):c.429C>G (p.Ile143Met)

Gene: HK1 (hexokinase 1; plus strand). Cytogenetic location: 10q22.1.
Variant type: single nucleotide variant.
Coding change: c.429C>G on transcript NM_000188.3 (MANE Select); coding-DNA position 429, C replaced by G.
Protein change: p.Ile143Met; replaces isoleucine 143 with methionine.
Molecular consequence: missense variant. On other transcripts: 5 prime UTR variant (2), non-coding transcript variant (2), intron variant (2).
Genome position (GRCh38, 1-based): chr10:69,364,836, C>G. VCF-style: chr10-69364836-C-G. GRCh37 (hg19) VCF-style: chr10-71124592-C-G.
Other names: c.441C>G, p.Ile147Met (NM_001322364.2, NM_001358263.1, NM_033497.3 and 1 more transcripts); c.534C>G, p.Ile178Met (NM_001322365.2); c.345C>G, p.Ile115Met (NM_001322366.1, NM_001441143.1); c.429C>G, p.Ile143Met (NM_001322367.1, NM_001441139.1, NM_001441141.1 and 4 more transcripts); c.420C>G, p.Ile140Met (NM_001441140.1); c.387C>G, p.Ile129Met (NM_001441142.1); c.207C>G, p.Ile69Met (NM_001441147.1); c.63C>G, p.Ile21Met (NM_001441149.1); and 6 more; short protein forms I140M, I143M, I147M, I69M, I131M, I142M, I115M, I129M.
Identifiers: ClinVar variation 4997268 (VCV004997268.1).